The following is an entry in ClinVar:

NM_000079.4(CHRNA1):c.271G>A (p.Asp91Asn)

Gene: CHRNA1 (cholinergic receptor nicotinic alpha 1 subunit; minus strand). Cytogenetic location: 2q31.1.
Variant type: single nucleotide variant.
Coding change: c.271G>A on transcript NM_000079.4 (MANE Select); coding-DNA position 271, G replaced by A.
Protein change: p.Asp91Asn; replaces aspartic acid 91 with asparagine.
Molecular consequence: missense variant.
Genome position (GRCh38, 1-based): chr2:174,757,639, C>T on the plus strand (G>A on the coding strand, the complement: CHRNA1 is on the minus strand). VCF-style: chr2-174757639-C-T. GRCh37 (hg19) VCF-style: chr2-175622367-C-T.
Other names: c.346G>A, p.Asp116Asn (NM_001039523.3); short protein forms D91N, D116N.
Identifiers: ClinVar variation 958085 (VCV000958085.11), dbSNP rs1684008469, ClinGen allele CA349343761.

ClinVar aggregate classification (germline): Conflicting classifications of pathogenicity. Review status: criteria provided, conflicting classifications (1 of 4 stars). 3 submissions from 3 submitters: Uncertain significance (2); Likely benign (1). Last evaluated 2025-11-26.

Conditions:
Myasthenic syndrome, congenital, 1B, fast-channel. Also called: Fast-Channel Congenital Myasthenia Syndrome. Identifiers: Orphanet 590, MedGen C4225405, MONDO:0012156, OMIM 608930.
Lethal multiple pterygium syndrome (LMPS). Identifiers: Orphanet 33108, MedGen C1854678, MONDO:0009668, OMIM 253290.

Allele frequency attached by ClinVar (database versions not stated): gnomAD exomes below 0.00001.
gnomAD v4.1: 5 of 1,614,162 alleles (0.00031%); highest among the groups gnomAD compares: Middle Eastern, 0.016%; no homozygotes.

Submissions (3):

Women's Health and Genetics/Laboratory Corporation of America, LabCorp
Classification: Uncertain significance. Last evaluated: 2025-11-26. Review status: criteria provided, single submitter. Criteria: LabCorp Variant Classification Summary - May 2015. Collection method: clinical testing. Allele origin: germline.
Comment: Variant summary: CHRNA1 c.271G>A (p.Asp91Asn) results in a conservative amino acid change in the encoded protein sequence. Algorithms developed to predict the effect of missense changes on protein structure and function are either unavailable or do not agree on the potential impact of this missense change. The variant was absent in 251428 control chromosomes. The available data on variant occurrences in the general population are insufficient to allow any conclusion about variant significance. To our knowledge, no occurrence of c.271G>A in individuals affected with CHRNA1-related conditions and no experimental evidence demonstrating its impact on protein function have been reported. ClinVar contains an entry for this variant (Variation ID: 958085). Based on the evidence outlined above, the variant was classified as uncertain significance.

3billion
Classification: Likely benign for Lethal multiple pterygium syndrome; Myasthenic syndrome, congenital, 1B, fast-channel. Last evaluated: 2024-09-20. Review status: criteria provided, single submitter. Criteria: ACMG Guidelines, 2015. Collection method: clinical testing. Allele origin: germline. Affected: no.
Comment: The homozygous variant was found in patients diagnosed with another variant in a different gene, with no symptoms related to the gene containing the homozygous variant.

Labcorp Genetics (formerly Invitae), Labcorp
Classification: Uncertain significance for Lethal multiple pterygium syndrome. Last evaluated: 2024-02-16. Review status: criteria provided, single submitter. Criteria: Invitae Variant Classification Sherloc (09022015). Collection method: clinical testing. Allele origin: germline.
Comment: This sequence change replaces aspartic acid, which is acidic and polar, with asparagine, which is neutral and polar, at codon 91 of the CHRNA1 protein (p.Asp91Asn). This variant is not present in population databases (gnomAD no frequency). This variant has not been reported in the literature in individuals affected with CHRNA1-related conditions. ClinVar contains an entry for this variant (Variation ID: 958085). Advanced modeling of protein sequence and biophysical properties (such as structural, functional, and spatial information, amino acid conservation, physicochemical variation, residue mobility, and thermodynamic stability) performed at Invitae indicates that this missense variant is not expected to disrupt CHRNA1 protein function with a negative predictive value of 80%. In summary, the available evidence is currently insufficient to determine the role of this variant in disease. Therefore, it has been classified as a Variant of Uncertain Significance.